The following is an entry in ClinVar:

NM_001142800.2(EYS):c.2539C>T (p.His847Tyr)

Gene: EYS (EGF-like photoreceptor maintenance factor; minus strand). Cytogenetic location: 6q12.
Variant type: single nucleotide variant.
Coding change: c.2539C>T on transcript NM_001142800.2 (MANE Select); coding-DNA position 2539, C replaced by T.
Protein change: p.His847Tyr; replaces histidine 847 with tyrosine.
Molecular consequence: missense variant.
Genome position (GRCh38, 1-based): chr6:64,912,586, G>A on the plus strand (C>T on the coding strand, the complement: EYS is on the minus strand). VCF-style: chr6-64912586-G-A. GRCh37 (hg19) VCF-style: chr6-65622479-G-A.
Other names: c.2539C>T, p.His847Tyr (NM_001292009.2); short protein forms H847Y.
Identifiers: ClinVar variation 966129 (VCV000966129.12), dbSNP rs145729428, ClinGen allele CA3877278.

ClinVar aggregate classification (germline): Uncertain significance. Review status: criteria provided, multiple submitters, no conflicts (2 of 4 stars). 5 submissions from 5 submitters: Uncertain significance (4). 1 of the submissions does not count toward it. Last evaluated 2026-05-13.

Conditions:
Inborn genetic diseases. Identifiers: MedGen C0950123, MeSH D030342.
EYS-related disorder. Also called: EYS-related condition.
Autosomal recessive retinitis pigmentosa. Identifiers: MedGen C0339526.

Allele frequency attached by ClinVar (database versions not stated): gnomAD exomes 0.00002; ExAC 0.00005; TOPMed 0.00018; gnomAD 0.00019; 1000 Genomes Project 0.00020; ESP Exome Variant Server 0.00022; 1000 Genomes Project 30x 0.00062.
gnomAD v4.1: 57 of 1,551,234 alleles (0.0037%); highest among the groups gnomAD compares: African/African-American, 0.07%; no homozygotes.

Submissions (5):

PreventionGenetics, part of Exact Sciences
Classification: Uncertain significance for EYS-related condition. Last evaluated: 2026-05-13. Review status: criteria provided, single submitter. Criteria: ACMG Guidelines, 2015. Collection method: clinical testing. Allele origin: germline.
Comment: The EYS c.2539C>T variant is predicted to result in the amino acid substitution p.His847Tyr. To our knowledge, this variant has not been reported in the literature. This variant is present in 0.048% of alleles in individuals of African descent in gnomAD. At this time, the clinical significance of this variant is uncertain due to the absence of conclusive functional and genetic evidence.

Labcorp Genetics (formerly Invitae), Labcorp
Classification: Uncertain significance. Last evaluated: 2025-07-31. Review status: criteria provided, single submitter. Criteria: Invitae Variant Classification Sherloc (09022015). Collection method: clinical testing. Allele origin: germline.
Comment: This sequence change replaces histidine, which is basic and polar, with tyrosine, which is neutral and polar, at codon 847 of the EYS protein (p.His847Tyr). This variant is present in population databases (rs145729428, gnomAD 0.05%). This variant has not been reported in the literature in individuals affected with EYS-related conditions. ClinVar contains an entry for this variant (Variation ID: 966129). Invitae Evidence Modeling of protein sequence and biophysical properties (such as structural, functional, and spatial information, amino acid conservation, physicochemical variation, residue mobility, and thermodynamic stability) has been performed for this missense variant. However, the output from this modeling did not meet the statistical confidence thresholds required to predict the impact of this variant on EYS protein function. In summary, the available evidence is currently insufficient to determine the role of this variant in disease. Therefore, it has been classified as a Variant of Uncertain Significance.

Ambry Genetics
Classification: Uncertain significance for Inborn genetic diseases. Last evaluated: 2025-06-18. Review status: criteria provided, single submitter. Criteria: Ambry Variant Classification Scheme 2023. Collection method: clinical testing. Allele origin: germline.

Blueprint Genetics
Classification: Uncertain significance. Last evaluated: 2024-09-02. Review status: criteria provided, single submitter. Criteria: ACMG Guidelines, 2015. Collection method: clinical testing. Allele origin: germline.

Natera, Inc.
Classification: Uncertain significance for Autosomal recessive retinitis pigmentosa. Last evaluated: 2020-09-11. Review status: no assertion criteria provided. Collection method: clinical testing. Allele origin: germline. Not counted in ClinVar's aggregate classification.